The following is an entry in ClinVar:

ClinVar aggregate classification (germline): Uncertain significance (1 of 4 stars; one submission).

Submission:

Labcorp Genetics (formerly Invitae), Labcorp
Classification: Uncertain significance. Last evaluated: 2025-01-18. Review status: criteria provided, single submitter. Criteria: Invitae Variant Classification Sherloc (09022015). Collection method: clinical testing. Allele origin: germline.
Comment: This sequence change replaces tyrosine, which is neutral and polar, with aspartic acid, which is acidic and polar, at codon 99 of the TERF2IP protein (p.Tyr99Asp). This variant is not present in population databases (gnomAD no frequency). This variant has not been reported in the literature in individuals affected with TERF2IP-related conditions. An algorithm developed to predict the effect of missense changes on protein structure and function (PolyPhen-2) suggests that this variant is likely to be disruptive. In summary, the available evidence is currently insufficient to determine the role of this variant in disease. Therefore, it has been classified as a Variant of Uncertain Significance.

NM_018975.4(TERF2IP):c.295T>G (p.Tyr99Asp)

Gene: TERF2IP (TERF2 interacting protein; plus strand). Cytogenetic location: 16q23.1.
Variant type: single nucleotide variant.
Coding change: c.295T>G on transcript NM_018975.4 (MANE Select); coding-DNA position 295, T replaced by G.
Protein change: p.Tyr99Asp; replaces tyrosine 99 with aspartic acid.
Molecular consequence: missense variant. On other transcripts: non-coding transcript variant (1).
Genome position (GRCh38, 1-based): chr16:75,648,177, T>G. VCF-style: chr16-75648177-T-G. GRCh37 (hg19) VCF-style: chr16-75682075-T-G.
Other names: short protein forms Y99D.
Identifiers: ClinVar variation 3729148 (VCV003729148.2).